The following is an entry in ClinVar:

ClinVar aggregate classification (germline): Uncertain significance (1 of 4 stars; one submission).

Conditions:
Hereditary cancer-predisposing syndrome. Also called: Neoplastic Syndromes, Hereditary; Tumor predisposition; Hereditary neoplastic syndrome; Hereditary Cancer Syndrome. Identifiers: Orphanet 140162, MedGen C0027672, MeSH D009386, MONDO:0015356.

Submission:

Ambry Genetics
Classification: Uncertain significance for Hereditary cancer-predisposing syndrome. Last evaluated: 2026-07-27. Review status: criteria provided, single submitter. Criteria: Ambry Variant Classification Scheme 2023. Collection method: clinical testing. Allele origin: germline.
Comment: The p.R849G variant (also known as c.2545A>G), located in coding exon 15 of the PTCH1 gene, results from an A to G substitution at nucleotide position 2545. The arginine at codon 849 is replaced by glycine, an amino acid with dissimilar properties. This amino acid position is conserved. In addition, this alteration is predicted to be deleterious by in silico analysis. Based on the available evidence, the clinical significance of this variant remains unclear.

NM_000264.5(PTCH1):c.2545A>G (p.Arg849Gly)

Genes: PTCH1 (patched 1; minus strand), LOC100507346 (uncharacterized LOC100507346; plus strand). Cytogenetic location: 9q22.32.
Variant type: single nucleotide variant.
Coding change: c.2545A>G on transcript NM_000264.5 (MANE Select); coding-DNA position 2545, A replaced by G.
Protein change: p.Arg849Gly; replaces arginine 849 with glycine.
Molecular consequence: missense variant. On other transcripts: non-coding transcript variant (2).
Genome position (GRCh38, 1-based): chr9:95,467,131, T>C on the plus strand (A>G on the coding strand, the complement: PTCH1 is on the minus strand). VCF-style: chr9-95467131-T-C. GRCh37 (hg19) VCF-style: chr9-98229413-T-C.
Other names: c.2347A>G, p.Arg783Gly (NM_001083602.3); c.2542A>G, p.Arg848Gly (NM_001083603.3); c.2092A>G, p.Arg698Gly (NM_001083604.3, NM_001083605.3, NM_001083606.3 and 1 more transcripts); c.2389A>G, p.Arg797Gly (NM_001354918.2); short protein forms R698G, R848G, R797G, R783G, R849G.
Identifiers: ClinVar variation 5027527 (VCV005027527.1).